The following is an entry in ClinVar:

NM_001276270.2(MBD4):c.1475_1476del (p.Asp492fs)

Gene: MBD4 (methyl-CpG binding domain 4, DNA glycosylase; minus strand). Cytogenetic location: 3q21.3.
Variant type: Deletion.
Coding change: c.1475_1476del on transcript NM_001276270.2 (MANE Select); coding-DNA positions 1475 to 1476, 2 bases deleted (AT; older notation c.1475_1476delAT).
Protein change: p.Asp492fs; shifts the reading frame from aspartic acid 492.
Molecular consequence: frameshift variant.
Genome position (GRCh38, 1-based): chr3:129,433,165-129,433,166, AT deleted on the plus strand (AT on the coding strand, the reverse complement: MBD4 is on the minus strand). VCF-style (leftmost placement, unchanged base first): chr3-129433164-CAT-C. GRCh37 (hg19) VCF-style: chr3-129152007-CAT-C.
Other names: c.1493_1494del, p.Asp498fs (NM_001276271.2, NM_001276272.2, NM_003925.3); c.539_540del, p.Asp180fs (NM_001276273.2); short protein forms D180fs, D492fs, D498fs.
Identifiers: ClinVar variation 4813029 (VCV004813029.1).
Genomic context (GRCh38, chr3:129,433,164, plus strand): 5'-ACTTGACAATGGTTTTTGCCCGAAGATCGTAGAGACCAAGAGGTTTAAGAAGTTCTGACA[CAT>C]CTCTCCAGTCTGCGGTTCTTGCTACCTCAGCTGAAGGATACTTCTCCAGAAACTTCCAAA-3'

ClinVar aggregate classification (germline): Pathogenic (1 of 4 stars; one submission).

Conditions:
Tumor predisposition syndrome 2 (TPDS2). Also called: MBD4-Related Tumor Predisposition Syndrome; MBD4-associated neoplasia syndrome (MANS); MBD4-ASSOCIATED NEOPLASIA SYNDROME. Identifiers: Orphanet 661526, MedGen C5774186, MONDO:0859267, OMIM 619975.

Submission:

Myriad Genetics, Inc.
Classification: Pathogenic for Tumor predisposition syndrome 2. Last evaluated: 2025-12-19. Review status: criteria provided, single submitter. Criteria: Myriad Autosomal Dominant, Autosomal Recessive and X-Linked Classification Criteria (2023). Collection method: clinical testing. Allele origin: unknown.
Comment: This variant is considered pathogenic. This variant creates a frameshift predicted to result in premature protein truncation.